The following is an entry in ClinVar:

NM_020778.5(ALPK3):c.3824A>G (p.Gln1275Arg)

Gene: ALPK3 (alpha kinase 3; plus strand). Cytogenetic location: 15q25.3.
Variant type: single nucleotide variant.
Coding change: c.3824A>G on transcript NM_020778.5 (MANE Select); coding-DNA position 3824, A replaced by G.
Protein change: p.Gln1275Arg; replaces glutamine 1275 with arginine.
Molecular consequence: missense variant.
Genome position (GRCh38, 1-based): chr15:84,859,249, A>G. VCF-style: chr15-84859249-A-G. GRCh37 (hg19) VCF-style: chr15-85402480-A-G.
Other names: short protein forms Q1275R.
Identifiers: ClinVar variation 1189693 (VCV001189693.10), dbSNP rs1390037202, ClinGen allele CA393361148.
Genomic context (GRCh38, chr15:84,859,249, plus strand): 5'-GGATATGGCCAGAGGAGAGGTGGTGTTCCCCTCTTGACTGGGCCCTGCTCTCAGCCCCAC[A>G]GGTGATCCGGAAGATTCGGGTGGAGCAGTTTCCTGATGCCTCCGGTAGCCTGAAGCTGTG-3'
Protein context (NP_065829.4, residues 1265-1285): RKAKDLLKAP[Gln1275Arg]VIRKIRVEQF

ClinVar aggregate classification (germline): Uncertain significance. Review status: criteria provided, multiple submitters, no conflicts (2 of 4 stars). 3 submissions from 3 submitters: Uncertain significance (3). Last evaluated 2024-02-11.

Conditions:
Cardiovascular phenotype. Identifiers: MedGen CN230736.

Allele frequency attached by ClinVar (database versions not stated): gnomAD exomes below 0.00001 and 0.00001; TOPMed below 0.00001; gnomAD 0.00001.
gnomAD v4.1: 12 of 1,613,966 alleles (0.00074%); highest among the groups gnomAD compares: Non-Finnish European, 0.00093%; no homozygotes.

Submissions (3):

Labcorp Genetics (formerly Invitae), Labcorp
Classification: Uncertain significance. Last evaluated: 2024-02-11. Review status: criteria provided, single submitter. Criteria: Invitae Variant Classification Sherloc (09022015). Collection method: clinical testing. Allele origin: germline.
Comment: This sequence change replaces glutamine, which is neutral and polar, with arginine, which is basic and polar, at codon 1477 of the ALPK3 protein (p.Gln1477Arg). This variant is present in population databases (no rsID available, gnomAD 0.0009%). This variant has not been reported in the literature in individuals affected with ALPK3-related conditions. ClinVar contains an entry for this variant (Variation ID: 1189693). An algorithm developed to predict the effect of missense changes on protein structure and function (PolyPhen-2) suggests that this variant is likely to be disruptive. Algorithms developed to predict the effect of sequence changes on RNA splicing suggest that this variant may disrupt the consensus splice site. In summary, the available evidence is currently insufficient to determine the role of this variant in disease. Therefore, it has been classified as a Variant of Uncertain Significance.

GeneDx
Classification: Uncertain significance. Last evaluated: 2020-10-20. Review status: criteria provided, single submitter. Criteria: GeneDx Variant Classification Process June 2021. Collection method: clinical testing. Allele origin: germline. Affected: yes.
Comment: Not observed at a significant frequency in large population cohorts (Lek et al., 2016); In silico analysis supports that this missense variant has a deleterious effect on protein structure/function; Has not been previously published as pathogenic or benign to our knowledge

Ambry Genetics
Classification: Uncertain significance for Cardiovascular phenotype. Last evaluated: 2020-01-29. Review status: criteria provided, single submitter. Criteria: Ambry Variant Classification Scheme 2023. Collection method: clinical testing. Allele origin: germline.
Comment: The p.Q1477R variant (also known as c.4430A>G), located in coding exon 7 of the ALPK3 gene, results from an A to G substitution at nucleotide position 4430. The glutamine at codon 1477 is replaced by arginine, an amino acid with highly similar properties. This amino acid position is well conserved in available vertebrate species. In addition, this alteration is predicted to be tolerated by in silico analysis. Since supporting evidence is limited at this time, the clinical significance of this alteration remains unclear.